The following is an entry in ClinVar:

ClinVar aggregate classification (germline): Uncertain significance (1 of 4 stars; one submission).

gnomAD v4.1: 4 of 1,613,694 alleles (0.00025%); highest among the groups gnomAD compares: South Asian, 0.0022%; no homozygotes.

Submission:

Labcorp Genetics (formerly Invitae), Labcorp
Classification: Uncertain significance. Last evaluated: 2024-11-28. Review status: criteria provided, single submitter. Criteria: Invitae Variant Classification Sherloc (09022015). Collection method: clinical testing. Allele origin: germline.
Comment: This sequence change replaces glutamine, which is neutral and polar, with histidine, which is basic and polar, at codon 1775 of the FBN3 protein (p.Gln1775His). This variant is present in population databases (no rsID available, gnomAD 0.003%). This variant has not been reported in the literature in individuals affected with FBN3-related conditions. Invitae Evidence Modeling of protein sequence and biophysical properties (such as structural, functional, and spatial information, amino acid conservation, physicochemical variation, residue mobility, and thermodynamic stability) indicates that this missense variant is not expected to disrupt FBN3 protein function with a negative predictive value of 80%. In summary, the available evidence is currently insufficient to determine the role of this variant in disease. Therefore, it has been classified as a Variant of Uncertain Significance.

NM_032447.5(FBN3):c.5325G>T (p.Gln1775His)

Gene: FBN3 (fibrillin 3; minus strand). Cytogenetic location: 19p13.2.
Variant type: single nucleotide variant.
Coding change: c.5325G>T on transcript NM_032447.5 (MANE Select); coding-DNA position 5325, G replaced by T.
Protein change: p.Gln1775His; replaces glutamine 1775 with histidine.
Molecular consequence: missense variant.
Genome position (GRCh38, 1-based): chr19:8,096,969, C>A on the plus strand (G>T on the coding strand, the complement: FBN3 is on the minus strand). VCF-style: chr19-8096969-C-A. GRCh37 (hg19) VCF-style: chr19-8161853-C-A.
Other names: c.5325G>T, p.Gln1775His (NM_001321431.2); short protein forms Q1775H.
Identifiers: ClinVar variation 3611577 (VCV003611577.2).